The following is an entry in ClinVar:

ClinVar aggregate classification (germline): Conflicting classifications of pathogenicity. Review status: criteria provided, conflicting classifications (1 of 4 stars). 2 submissions from 2 submitters: Uncertain significance (1); Likely benign (1). Last evaluated 2026-04-06.

Conditions:
Hereditary cancer-predisposing syndrome. Also called: Neoplastic Syndromes, Hereditary; Tumor predisposition; Hereditary Cancer Syndrome; Hereditary neoplastic syndrome. Identifiers: Orphanet 140162, MedGen C0027672, MeSH D009386, MONDO:0015356.
Familial adenomatous polyposis 2. Also called: COLORECTAL ADENOMATOUS POLYPOSIS, AUTOSOMAL RECESSIVE; ADENOMAS, MULTIPLE COLORECTAL, AUTOSOMAL RECESSIVE; MUTYH Polyposis; Adenomas, multiple colorectal; MYH-associated polyposis; FAP type 2. Identifiers: Orphanet 220460, Orphanet 247798, MedGen C3272841, MONDO:0012041, OMIM 608456.

Submissions (2):

Ambry Genetics
Classification: Likely benign for Hereditary cancer-predisposing syndrome. Last evaluated: 2026-04-06. Review status: criteria provided, single submitter. Criteria: Ambry Variant Classification Scheme 2023. Collection method: clinical testing. Allele origin: germline.

Labcorp Genetics (formerly Invitae), Labcorp
Classification: Uncertain significance for Familial adenomatous polyposis 2. Last evaluated: 2025-03-09. Review status: criteria provided, single submitter. Criteria: Invitae Variant Classification Sherloc (09022015). Collection method: clinical testing. Allele origin: germline.
Comment: This sequence change replaces proline, which is neutral and non-polar, with leucine, which is neutral and non-polar, at codon 65 of the MUTYH protein (p.Pro65Leu). This variant is not present in population databases (gnomAD no frequency). This variant has not been reported in the literature in individuals affected with MUTYH-related conditions. An algorithm developed to predict the effect of missense changes on protein structure and function outputs the following: PolyPhen-2: "Benign". The leucine amino acid residue is found in multiple mammalian species, which suggests that this missense change does not adversely affect protein function. In summary, the available evidence is currently insufficient to determine the role of this variant in disease. Therefore, it has been classified as a Variant of Uncertain Significance.

NM_001128425.2(MUTYH):c.194C>T (p.Pro65Leu)

Gene: MUTYH (mutY DNA glycosylase; minus strand). Cytogenetic location: 1p34.1.
Variant type: single nucleotide variant.
Coding change: c.194C>T on transcript NM_001128425.2 (MANE Plus Clinical); coding-DNA position 194, C replaced by T.
Protein change: p.Pro65Leu; replaces proline 65 with leucine.
Molecular consequence: missense variant. On other transcripts: intron variant (24).
Genome position (GRCh38, 1-based): chr1:45,333,567, G>A on the plus strand (C>T on the coding strand, the complement: MUTYH is on the minus strand). VCF-style: chr1-45333567-G-A. GRCh37 (hg19) VCF-style: chr1-45799239-G-A.
Other names: c.143C>T, p.Pro48Leu (NM_001293191.2, NM_001407077.1); c.185C>T, p.Pro62Leu (NM_001407069.1, NM_012222.3); c.26C>T, p.Pro9Leu (NM_001407075.1); c.152C>T, p.Pro51Leu (NM_001407083.1, NM_001407085.1); c.116-6C>T (NM_001407072.1, NM_001048171.2, NM_001407070.1 and 7 more transcripts); c.-92-70C>T (NM_001350651.2, NM_001407082.1); c.-97-70C>T (NM_001293192.2, NM_001293196.2, NM_001407091.1); c.-156-6C>T (NM_001350650.2); and 4 more; short protein forms P48L, P51L, P62L, P65L, P9L.
Identifiers: ClinVar variation 4755111 (VCV004755111.2).